The following is an entry in ClinVar:

NM_175914.5(HNF4A):c.426G>A (p.Gln142=)

Gene: HNF4A (hepatocyte nuclear factor 4 alpha; plus strand). Cytogenetic location: 20q13.12.
Variant type: single nucleotide variant.
Coding change: c.426G>A on transcript NM_175914.5 (MANE Select); coding-DNA position 426, G replaced by A.
Protein change: p.Gln142=; no amino-acid change (glutamine 142 retained).
Molecular consequence: synonymous variant.
Genome position (GRCh38, 1-based): chr20:44,413,800, G>A. VCF-style: chr20-44413800-G-A. GRCh37 (hg19) VCF-style: chr20-43042440-G-A.
Other names: c.492G>A, p.Gln164= (NM_000457.6, NM_178849.3, NM_178850.3); c.426G>A, p.Gln142= (NM_001030003.3, NM_001030004.3); c.471G>A, p.Gln157= (NM_001258355.2); c.417G>A, p.Gln139= (NM_001287182.2, NM_001287183.2, NM_001287184.2).
Identifiers: ClinVar variation 2580874 (VCV002580874.2), dbSNP rs2515675777, ClinGen allele CA510582649.
Genomic context (GRCh38, chr20:44,413,800, plus strand): 5'-TGAGGACAGCAGCCTGCCCTCCATCAATGCGCTCCTGCAGGCGGAGGTCCTGTCCCGACA[G>A]GTACCGGGGTGATCCTGCCACCCACCCAGGGATCCCCCACACTACAGAGGAGCTCACCTC-3'
Protein context (NP_787110.2, residues 132-152): ALLQAEVLSR[Gln142=]ITSPVSGING

ClinVar aggregate classification (germline): Uncertain significance (1 of 4 stars; one submission).

Conditions:
Maturity-onset diabetes of the young (MODY). Also called: Maturity onset diabetes mellitus in young. Identifiers: Orphanet 552, MedGen C0342276, MONDO:0018911, HP:0004904.

Submission:

Dept of Medical Genetics, AP-HP Sorbonne University, Pitié-Salpêtrière hospital
Classification: Uncertain significance for MODY. Last evaluated: 2022-11-01. Review status: criteria provided, single submitter. Criteria: ACMG Guidelines, 2015. Collection method: clinical testing. Allele origin: germline. Affected: yes.
Comment: minigene showed effect on RNA splicing: residual full-length transcripts and 2 alternative transcripts. 1/skipping of exon 4 (r.320_426del, p.Ala107Aspfs*25) and 2/ deletion of the last 15 bp of exon 4 (r.412_426del, p.Ala136_Gln142del). PS3_M PM2 PP4